The following is an entry in ClinVar:

NM_005629.4(SLC6A8):c.375C>T (p.Asn125=)

Gene: SLC6A8 (solute carrier family 6 member 8; plus strand). Cytogenetic location: Xq28.
Variant type: single nucleotide variant.
Coding change: c.375C>T on transcript NM_005629.4 (MANE Select); coding-DNA position 375, C replaced by T.
Protein change: p.Asn125=; no amino-acid change (asparagine 125 retained).
Molecular consequence: synonymous variant.
Genome position (GRCh38, 1-based): chrX:153,690,487, C>T. VCF-style: chrX-153690487-C-T. GRCh37 (hg19) VCF-style: chrX-152955942-C-T.
Other names: c.375C>T, p.Asn125= (NM_001142805.2); c.30C>T, p.Asn10= (NM_001142806.1).
Identifiers: ClinVar variation 1557479 (VCV001557479.11), dbSNP rs1169070771, ClinGen allele CA519185051.
Genomic context (GRCh38, chrX:153,690,487, plus strand): 5'-TTTCTTCTTAGAGATCTCGCTGGGCCAGTTCATGAAGGCCGGCAGCATCAATGTCTGGAA[C>T]ATCTGTCCCCTGTTCAAAGGTGAGCAGCCCTTGGCCAGCCTCAGGGACTGCCCCCTTCTC-3'
Protein context (NP_005620.1, residues 115-135): FMKAGSINVW[Asn125=]ICPLFKGLGY

ClinVar aggregate classification (germline): Likely benign. Review status: criteria provided, multiple submitters, no conflicts (2 of 4 stars). 3 submissions from 3 submitters: Likely benign (3). Last evaluated 2026-05-01.

Conditions:
Creatine transporter deficiency (CCDS1). Also called: Creatine Transporter (CRTR) Deficiency; Mental retardation , X-linked with seizures, short stature and midface hypoplasia; Mental retardation , X-linked, with creatine transport deficiency; X-linked creatine transporter deficiency; X-linked creatine deficiency syndrome; SLC6A8-Related Creatine Transporter Deficiency. Identifiers: Orphanet 52503, MedGen C1845862, MONDO:0010305, OMIM 300352.

Allele frequency attached by ClinVar (database versions not stated): gnomAD exomes below 0.00001 and 0.00001; TOPMed 0.00002.
gnomAD v4.1: 2 of 1,186,218 alleles (0.00017%); highest among the groups gnomAD compares: Non-Finnish European, 0.00011%; no homozygotes.

Submissions (3):

CeGaT Center for Human Genetics Tuebingen
Classification: Likely benign. Last evaluated: 2026-05-01. Review status: criteria provided, single submitter. Criteria: CeGaT Center For Human Genetics Tuebingen Variant Classification Criteria Version 2. Collection method: clinical testing. Allele origin: germline. Affected: yes. Observed: 1 variant allele.
Comment: SLC6A8: BP4, BP7

Labcorp Genetics (formerly Invitae), Labcorp
Classification: Likely benign for Creatine transporter deficiency. Last evaluated: 2024-09-10. Review status: criteria provided, single submitter. Criteria: Invitae Variant Classification Sherloc (09022015). Collection method: clinical testing. Allele origin: germline.

Blueprint Genetics
Classification: Likely benign. Last evaluated: 2022-08-11. Review status: criteria provided, single submitter. Criteria: ACMG Guidelines, 2015. Collection method: clinical testing. Allele origin: germline.